The following is an entry in ClinVar:

ClinVar aggregate classification (germline): Likely pathogenic (1 of 4 stars; one submission).

Conditions:
Hereditary cancer-predisposing syndrome. Also called: Neoplastic Syndromes, Hereditary; Tumor predisposition; Hereditary Cancer Syndrome; Hereditary neoplastic syndrome. Identifiers: Orphanet 140162, MedGen C0027672, MeSH D009386, MONDO:0015356.

Submission:

Ambry Genetics
Classification: Likely pathogenic for Hereditary cancer-predisposing syndrome. Last evaluated: 2018-01-31. Review status: criteria provided, single submitter. Criteria: Ambry Variant Classification Scheme 2023. Collection method: clinical testing. Allele origin: germline.
Comment: The c.8486_8487+7delAGGTATGATinsCCTATG variant results from a deletion of 9 nucleotides and an insertion of 6 nucleotides starting at position c.8486 and continuing through seven nucleotides after coding exon 18 of the BRCA2 gene. Using the BDGP and ESEfinder splice site prediction tools, this alteration is predicted to abolish the native splice donor site; however, direct evidence is unavailable. Alterations that disrupt the canonical splice site are expected to cause aberrant splicing, resulting in an abnormal protein or a transcript that is subject to nonsense-mediated mRNA decay. As such, this alteration is classified as likely pathogenic.

NM_000059.4(BRCA2):c.8486_8487+7delinsCCTATG

Gene: BRCA2 (BRCA2 DNA repair associated; plus strand). Cytogenetic location: 13q13.1.
Variant type: Indel.
Coding change: c.8486_8487+7delinsCCTATG on transcript NM_000059.4 (MANE Select); coding-DNA position 8486 through 7 bases into the intron after coding-DNA position 8487, AGGTATGAT replaced by CCTATG.
Molecular consequence: splice donor variant.
Genome position (GRCh38, 1-based): chr13:32,370,556-32,370,564, AGGTATGAT replaced by CCTATG. VCF-style: chr13-32370556-AGGTATGAT-CCTATG. GRCh37 (hg19) VCF-style: chr13-32944693-AGGTATGAT-CCTATG.
Identifiers: ClinVar variation 1763552 (VCV001763552.2), dbSNP rs2548550228, ClinGen allele CA2580087380.